The following is an entry in ClinVar:

ClinVar aggregate classification (germline): Uncertain significance (1 of 4 stars; one submission).

Conditions:
Dystonia 5 (DRD). Also called: Dystonia, DOPA-responsive, with or without hyperphenylalaninemia; DYSTONIA, PROGRESSIVE, WITH DIURNAL VARIATION; DYSTONIA-PARKINSONISM WITH DIURNAL FLUCTUATION; DYT-GCH1; GTP Cyclohydrolase 1-Deficient Dopa-Responsive Dystonia. Identifiers: Orphanet 98808, MedGen C1851920, MONDO:0007495, OMIM 128230.
GTP cyclohydrolase I deficiency. Identifiers: MedGen C0268467, MONDO:0100184.

Submission:

Labcorp Genetics (formerly Invitae), Labcorp
Classification: Uncertain significance for GTP cyclohydrolase I deficiency; Dystonia 5. Last evaluated: 2020-07-04. Review status: criteria provided, single submitter. Criteria: Invitae Variant Classification Sherloc (09022015). Collection method: clinical testing. Allele origin: germline.
Comment: In summary, the available evidence is currently insufficient to determine the role of this variant in disease. Therefore, it has been classified as a Variant of Uncertain Significance. Nucleotide substitutions within the consensus splice site are a relatively common cause of aberrant splicing (PMID: 17576681, 9536098). Algorithms developed to predict the effect of sequence changes on RNA splicing suggest that this variant may disrupt the consensus splice site, but this prediction has not been confirmed by published transcriptional studies. This variant has been observed in individual(s) with dystonia (Invitae). It has also been observed to segregate with disease in related individuals. This variant is not present in population databases (ExAC no frequency). This sequence change falls in intron 5 of the GCH1 gene. It does not directly change the encoded amino acid sequence of the GCH1 protein, but it affects a nucleotide within the consensus splice site of the intron.

Literature cited by the submitters: PubMed 17576681; PubMed 9536098.

NM_000161.3(GCH1):c.626+5G>C

Gene: GCH1 (GTP cyclohydrolase 1; minus strand). Cytogenetic location: 14q22.2.
Variant type: single nucleotide variant.
Coding change: c.626+5G>C on transcript NM_000161.3 (MANE Select); 5 bases into the intron after coding-DNA position 626, G replaced by C.
Molecular consequence: intron variant.
Genome position (GRCh38, 1-based): chr14:54,845,763, C>G on the plus strand (G>C on the coding strand, the complement: GCH1 is on the minus strand). VCF-style: chr14-54845763-C-G. GRCh37 (hg19) VCF-style: chr14-55312481-C-G.
Other names: c.626+5G>C (NM_001024071.2, NM_001024070.2, NM_001024024.2).
Identifiers: ClinVar variation 840485 (VCV000840485.10), dbSNP rs1594970015, ClinGen allele CA916083371.